The following is an entry in ClinVar:

ClinVar aggregate classification (germline): Uncertain significance (1 of 4 stars; one submission).

Submission:

Mayo Clinic Laboratories, Mayo Clinic
Classification: Uncertain significance. Last evaluated: 2023-01-09. Review status: criteria provided, single submitter. Criteria: ACMG Guidelines, 2015. Collection method: clinical testing. Allele origin: germline. Observed: 1 variant allele.
Comment: BP4, PM2_supporting

NM_030787.4(CFHR5):c.841C>A (p.Gln281Lys)

Gene: CFHR5 (complement factor H related 5; plus strand). Cytogenetic location: 1q31.3.
Variant type: single nucleotide variant.
Coding change: c.841C>A on transcript NM_030787.4 (MANE Select); coding-DNA position 841, C replaced by A.
Protein change: p.Gln281Lys; replaces glutamine 281 with lysine.
Molecular consequence: missense variant.
Genome position (GRCh38, 1-based): chr1:196,996,072, C>A. VCF-style: chr1-196996072-C-A. GRCh37 (hg19) VCF-style: chr1-196965202-C-A.
Other names: p.Gln281Lys; short protein forms Q281K.
Identifiers: ClinVar variation 2682711 (VCV002682711.1), dbSNP rs1419726038, ClinGen allele CA344005562.